The following is an entry in ClinVar:

ClinVar aggregate classification (germline): Likely pathogenic (1 of 4 stars; one submission).

Allele frequency attached by ClinVar (database versions not stated): gnomAD 0.00001; TOPMed 0.00001; ExAC 0.00002; gnomAD exomes 0.00002; 1000 Genomes Project 30x 0.00016.
gnomAD v4.1: 24 of 1,614,194 alleles (0.0015%); highest among the groups gnomAD compares: Admixed American, 0.005%; no homozygotes.

Submission:

Labcorp Genetics (formerly Invitae), Labcorp
Classification: Likely pathogenic. Last evaluated: 2023-12-05. Review status: criteria provided, single submitter. Criteria: Invitae Variant Classification Sherloc (09022015). Collection method: clinical testing. Allele origin: germline.
Comment: This sequence change replaces threonine, which is neutral and polar, with methionine, which is neutral and non-polar, at codon 561 of the TPO protein (p.Thr561Met). This variant is present in population databases (rs200475577, gnomAD 0.006%). This missense change has been observed in individual(s) with autosomal recessive thryoid dyshormonogenesis (PMID: 27135621, 27173810, 35507000). In at least one individual the data is consistent with being in trans (on the opposite chromosome) from a pathogenic variant. Advanced modeling of protein sequence and biophysical properties (such as structural, functional, and spatial information, amino acid conservation, physicochemical variation, residue mobility, and thermodynamic stability) has been performed at Invitae for this missense variant, however the output from this modeling did not meet the statistical confidence thresholds required to predict the impact of this variant on TPO protein function. In summary, the currently available evidence indicates that the variant is pathogenic, but additional data are needed to prove that conclusively. Therefore, this variant has been classified as Likely Pathogenic.

Literature cited by the submitters: PubMed 27135621; PubMed 27173810; PubMed 35507000.

NM_001206744.2(TPO):c.1682C>T (p.Thr561Met)

Genes: LALTOP (lung cancer associated lncRNA targeting TOP2A; minus strand), TPO (thyroid peroxidase; plus strand). Cytogenetic location: 2p25.3.
Variant type: single nucleotide variant.
Coding change: c.1682C>T on transcript NM_001206744.2 (MANE Select); coding-DNA position 1682, C replaced by T.
Protein change: p.Thr561Met; replaces threonine 561 with methionine.
Molecular consequence: missense variant. On other transcripts: intron variant (2).
Genome position (GRCh38, 1-based): chr2:1,487,905, C>T. VCF-style: chr2-1487905-C-T. GRCh37 (hg19) VCF-style: chr2-1491677-C-T.
Other names: c.1682C>T, p.Thr561Met (NM_000547.6, NM_175721.3); c.1163C>T, p.Thr388Met (NM_175722.3); c.1597+3051C>T (NM_175719.4, NM_001206745.2); short protein forms T388M, T561M.
Identifiers: ClinVar variation 2734129 (VCV002734129.3), dbSNP rs200475577, ClinGen allele CA1511807.
Genomic context (GRCh38, chr2:1,487,905, plus strand): 5'-GCCTTCTTGCAAGACCAGCCAAACTGCAGGTGCAGGATCAGCTGATGAACGAGGAGCTGA[C>T]GGAAAGGCTCTTTGTGCTGTCCAATTCCAGCACCTTGGATCTGGCGTCCATCAACCTGCA-3'
Protein context (NP_001193673.1, residues 551-571): VQDQLMNEEL[Thr561Met]ERLFVLSNSS